The following is an entry in ClinVar:

ClinVar aggregate classification (germline): Uncertain significance (1 of 4 stars; one submission).

Conditions:
Rubinstein-Taybi syndrome (RSTS). Identifiers: Orphanet 783, MedGen C0035934, MONDO:0019188.

Allele frequency attached by ClinVar (database versions not stated): gnomAD exomes below 0.00001.
gnomAD v4.1: 2 of 1,613,750 alleles (0.00012%); highest among the groups gnomAD compares: Non-Finnish European, 0.00017%; no homozygotes.

Submission:

Labcorp Genetics (formerly Invitae), Labcorp
Classification: Uncertain significance for Rubinstein-Taybi syndrome. Last evaluated: 2022-05-14. Review status: criteria provided, single submitter. Criteria: Invitae Variant Classification Sherloc (09022015). Collection method: clinical testing. Allele origin: germline.
Comment: In summary, the available evidence is currently insufficient to determine the role of this variant in disease. Therefore, it has been classified as a Variant of Uncertain Significance. Advanced modeling of protein sequence and biophysical properties (such as structural, functional, and spatial information, amino acid conservation, physicochemical variation, residue mobility, and thermodynamic stability) performed at Invitae indicates that this missense variant is expected to disrupt CREBBP protein function. This variant has not been reported in the literature in individuals affected with CREBBP-related conditions. This variant is present in population databases (no rsID available, gnomAD 0.0009%). This sequence change replaces arginine, which is basic and polar, with cysteine, which is neutral and slightly polar, at codon 1223 of the CREBBP protein (p.Arg1223Cys).

NM_004380.3(CREBBP):c.3667C>T (p.Arg1223Cys)

Gene: CREBBP (CREB binding lysine acetyltransferase; minus strand). Cytogenetic location: 16p13.3.
Variant type: single nucleotide variant.
Coding change: c.3667C>T on transcript NM_004380.3 (MANE Select); coding-DNA position 3667, C replaced by T.
Protein change: p.Arg1223Cys; replaces arginine 1223 with cysteine.
Molecular consequence: missense variant.
Genome position (GRCh38, 1-based): chr16:3,757,319, G>A on the plus strand (C>T on the coding strand, the complement: CREBBP is on the minus strand). VCF-style: chr16-3757319-G-A. GRCh37 (hg19) VCF-style: chr16-3807320-G-A.
Other names: c.3553C>T, p.Arg1185Cys (NM_001079846.1); short protein forms R1185C, R1223C.
Identifiers: ClinVar variation 2116000 (VCV002116000.4), dbSNP rs1306274833, ClinGen allele CA394568389.
Genomic context (GRCh38, chr16:3,757,319, plus strand): 5'-CATAATGCAGGATGCTGCTTGACGCTTACCTATTCTGATAGCTGTAGTAGGCAGCATCGC[G>A]AGGAATGGTACACAGCTGCTTCCCATAGCAGCACAAAGTCTGTGGGGAAAACTCATACTG-3'
Protein context (NP_004371.2, residues 1213-1233): CYGKQLCTIP[Arg1223Cys]DAAYYSYQNR